The following is an entry in ClinVar:

NM_001330288.2(SMARCC2):c.2144T>A (p.Val715Asp)

Gene: SMARCC2 (SWI/SNF related BAF chromatin remodeling complex subunit C2; minus strand). Cytogenetic location: 12q13.2.
Variant type: single nucleotide variant.
Coding change: c.2144T>A on transcript NM_001330288.2 (MANE Select); coding-DNA position 2144, T replaced by A.
Protein change: p.Val715Asp; replaces valine 715 with aspartic acid.
Molecular consequence: missense variant.
Genome position (GRCh38, 1-based): chr12:56,171,720, A>T on the plus strand (T>A on the coding strand, the complement: SMARCC2 is on the minus strand). VCF-style: chr12-56171720-A-T. GRCh37 (hg19) VCF-style: chr12-56565504-A-T.
Other names: c.2144T>A, p.Val715Asp (NM_001130420.3, NM_139067.4); c.2051T>A, p.Val684Asp (NM_003075.5); short protein forms V684D, V715D.
Identifiers: ClinVar variation 4076849 (VCV004076849.1).
Genomic context (GRCh38, chr12:56,171,720, plus strand): 5'-AACCACCCACCCCCATTACCTAGGGCTGACTTTGCAGCAGCAGAGGCGACTCGGGGATCG[A>T]CGACAGAGGCCAGGAAGGCAACAGTGCTCATAACAGGGTTGCCCGACTGACTGAAGGGGA-3'
Protein context (NP_001317217.1, residues 705-725): MSTVAFLASV[Val715Asp]DPRVASAAAK

ClinVar aggregate classification (germline): Uncertain significance (1 of 4 stars; one submission).

Submission:

GeneDx
Classification: Uncertain significance. Last evaluated: 2025-02-21. Review status: criteria provided, single submitter. Criteria: GeneDx Variant Classification Process June 2021. Collection method: clinical testing. Allele origin: germline. Affected: yes.
Comment: Not observed at significant frequency in large population cohorts (gnomAD); In silico analysis supports that this missense variant has a deleterious effect on protein structure/function; Has not been previously published as pathogenic or benign to our knowledge